The following is an entry in ClinVar:

ClinVar aggregate classification (germline): Conflicting classifications of pathogenicity. Review status: criteria provided, conflicting classifications (1 of 4 stars). 3 submissions from 3 submitters: Uncertain significance (1); Likely benign (2). Last evaluated 2025-09-28.

Conditions:
FOXI1-related disorder. Also called: FOXI1-related condition.
Autosomal recessive nonsyndromic hearing loss 4 (DFNB4). Also called: DEAFNESS, AUTOSOMAL RECESSIVE 4, WITH ENLARGED VESTIBULAR AQUEDUCT, DIGENIC; FOXI1-Related Pendred Syndrome; KCNJ10-Related Pendred Syndrome; Nonsyndromic enlarged vestibular aqueduct (NSEVA); Deafness, autosomal recessive 4, with enlarged vestibular aqueduct; NEUROSENSORY NONSYNDROMIC RECESSIVE DEAFNESS 4. Identifiers: Orphanet 90636, MedGen C3538946, MONDO:0010933, OMIM 600791.

Allele frequency attached by ClinVar (database versions not stated): ExAC 0.00005; TOPMed 0.00007; ESP Exome Variant Server 0.00008; gnomAD 0.00008 and 0.00009; 1000 Genomes Project 30x 0.00016; gnomAD exomes 0.00004; 1000 Genomes Project 0.00020.
gnomAD v4.1: 63 of 1,614,200 alleles (0.0039%); highest among the groups gnomAD compares: Admixed American, 0.0067%; 1 homozygote.

Submissions (3):

Labcorp Genetics (formerly Invitae), Labcorp
Classification: Likely benign. Last evaluated: 2025-09-28. Review status: criteria provided, single submitter. Criteria: Invitae Variant Classification Sherloc (09022015). Collection method: clinical testing. Allele origin: germline.

PreventionGenetics, part of Exact Sciences
Classification: Likely benign for FOXI1-related condition. Last evaluated: 2025-03-24. Review status: criteria provided, single submitter. Criteria: ACMG Guidelines, 2015. Collection method: clinical testing. Allele origin: germline.
Comment: This variant is classified as likely benign based on ACMG/AMP sequence variant interpretation guidelines (Richards et al. 2015 PMID: 25741868, with internal and published modifications).

Illumina Laboratory Services, Illumina
Classification: Uncertain significance for Autosomal recessive nonsyndromic hearing loss 4. Last evaluated: 2018-01-12. Review status: criteria provided, single submitter. Criteria: ICSL Variant Classification Criteria 13 December 2019. Collection method: clinical testing. Allele origin: germline.

NM_012188.5(FOXI1):c.861C>G (p.Ala287=)

Gene: FOXI1 (forkhead box I1; plus strand). Cytogenetic location: 5q35.1.
Variant type: single nucleotide variant.
Coding change: c.861C>G on transcript NM_012188.5 (MANE Select); coding-DNA position 861, C replaced by G.
Protein change: p.Ala287=; no amino-acid change (alanine 287 retained).
Molecular consequence: synonymous variant.
Genome position (GRCh38, 1-based): chr5:170,108,335, C>G. VCF-style: chr5-170108335-C-G. GRCh37 (hg19) VCF-style: chr5-169535339-C-G.
Other names: c.576C>G, p.Ala192= (NM_144769.4).
Identifiers: ClinVar variation 352707 (VCV000352707.11), dbSNP rs145785746, ClinGen allele CA3555115.